The following is an entry in ClinVar:

NM_005562.3(LAMC2):c.1175del (p.Phe392fs)

Gene: LAMC2 (laminin subunit gamma 2; plus strand). Cytogenetic location: 1q25.3.
Variant type: Deletion.
Coding change: c.1175del on transcript NM_005562.3 (MANE Select); coding-DNA position 1175, one base deleted (T; older notation c.1175delT).
Protein change: p.Phe392fs; shifts the reading frame from phenylalanine 392.
Molecular consequence: frameshift variant.
Genome position (GRCh38, 1-based): chr1:183,226,806, T deleted; the last of 2 consecutive T bases (chr1:183,226,805-183,226,806); deleting either gives the same sequence. VCF-style (leftmost placement, unchanged base first): chr1-183226804-AT-A. GRCh37 (hg19) VCF-style: chr1-183195939-AT-A.
Other names: c.1175del, p.Phe392fs (NM_018891.3); short protein forms F392fs.
Identifiers: ClinVar variation 2028557 (VCV002028557.5), dbSNP rs2526060515, ClinGen allele CA2580061623.

ClinVar aggregate classification (germline): Pathogenic. Review status: criteria provided, multiple submitters, no conflicts (2 of 4 stars). 2 submissions from 2 submitters: Pathogenic (2). Last evaluated 2023-10-11.

Conditions:
Junctional epidermolysis bullosa. Identifiers: Orphanet 305, MedGen C0079301, MONDO:0017612.

Submissions (2):

Myriad Genetics, Inc.
Classification: Pathogenic for Junctional epidermolysis bullosa. Last evaluated: 2023-10-11. Review status: criteria provided, single submitter. Criteria: Myriad Autosomal Dominant, Autosomal Recessive and X-Linked Classification Criteria (2023). Collection method: clinical testing. Allele origin: unknown.
Comment: NM_005562.2(LAMC2):c.1175delT(F392Sfs*81) is expected to be pathogenic in the context of junctional epidermolysis bullosa, LAMC2-related. This variant is predicted to lead to an abnormal or absent protein product due to the creation of a premature termination codon in LAMC2, a gene where loss-of-function variants are known to be pathogenic. Please note: this variant was assessed in the context of healthy population screening.

Labcorp Genetics (formerly Invitae), Labcorp
Classification: Pathogenic. Last evaluated: 2022-09-23. Review status: criteria provided, single submitter. Criteria: Invitae Variant Classification Sherloc (09022015). Collection method: clinical testing. Allele origin: germline.
Comment: This sequence change creates a premature translational stop signal (p.Phe392Serfs*81) in the LAMC2 gene. It is expected to result in an absent or disrupted protein product. Loss-of-function variants in LAMC2 are known to be pathogenic (PMID: 11907499, 16473856). This variant is not present in population databases (gnomAD no frequency). This variant has not been reported in the literature in individuals affected with LAMC2-related conditions. For these reasons, this variant has been classified as Pathogenic.

Literature cited by the submitters: PubMed 11907499 (cited by Labcorp Genetics (formerly Invitae), Labcorp); PubMed 16473856 (cited by Labcorp Genetics (formerly Invitae), Labcorp).